The following is an entry in ClinVar:

ClinVar aggregate classification (germline): Uncertain significance (1 of 4 stars; one submission).

Allele frequency attached by ClinVar (database versions not stated): TOPMed below 0.00001; ExAC 0.00001; gnomAD 0.00001; gnomAD exomes 0.00001.
gnomAD v4.1: 20 of 1,614,142 alleles (0.0012%); highest among the groups gnomAD compares: Admixed American, 0.0017%; no homozygotes.

Submission:

Ambry Genetics
Classification: Uncertain significance. Last evaluated: 2024-03-14. Review status: criteria provided, single submitter. Criteria: Ambry Variant Classification Scheme 2023. Collection method: clinical testing. Allele origin: germline.
Comment: The p.P15L variant (also known as c.44C>T), located in coding exon 2 of the RAD54L gene, results from a C to T substitution at nucleotide position 44. The proline at codon 15 is replaced by leucine, an amino acid with similar properties. This amino acid position is conserved. In addition, this alteration is predicted to be tolerated by in silico analysis. Based on the available evidence, the clinical significance of this alteration remains unclear.

NM_003579.4(RAD54L):c.44C>T (p.Pro15Leu)

Gene: RAD54L (RAD54 like; plus strand). Cytogenetic location: 1p34.1.
Variant type: single nucleotide variant.
Coding change: c.44C>T on transcript NM_003579.4 (MANE Select); coding-DNA position 44, C replaced by T.
Protein change: p.Pro15Leu; replaces proline 15 with leucine.
Molecular consequence: missense variant. On other transcripts: 5 prime UTR variant (1).
Genome position (GRCh38, 1-based): chr1:46,248,552, C>T. VCF-style: chr1-46248552-C-T. GRCh37 (hg19) VCF-style: chr1-46714224-C-T.
Other names: c.44C>T, p.Pro15Leu (NM_001142548.2); c.-497C>T (NM_001370766.1); short protein forms P15L.
Identifiers: ClinVar variation 3223445 (VCV003223445.1), dbSNP rs771415284, ClinGen allele CA834114.